The following is an entry in ClinVar:

NM_030777.4(SLC2A10):c.1181C>G (p.Ala394Gly)

Gene: SLC2A10 (solute carrier family 2 member 10; plus strand). Cytogenetic location: 20q13.12.
Variant type: single nucleotide variant.
Coding change: c.1181C>G on transcript NM_030777.4 (MANE Select); coding-DNA position 1181, C replaced by G.
Protein change: p.Ala394Gly; replaces alanine 394 with glycine.
Molecular consequence: missense variant.
Genome position (GRCh38, 1-based): chr20:46,726,217, C>G. VCF-style: chr20-46726217-C-G. GRCh37 (hg19) VCF-style: chr20-45354856-C-G.
Other names: short protein forms A394G.
Identifiers: ClinVar variation 2637680 (VCV002637680.1), dbSNP rs1278915995, ClinGen allele CA409269612.

ClinVar aggregate classification (germline): Uncertain significance (1 of 4 stars; one submission).

Allele frequency attached by ClinVar (database versions not stated): gnomAD exomes below 0.00001.
gnomAD v4.1: 1 of 1,614,060 alleles (0.000062%); highest among the groups gnomAD compares: Non-Finnish European, 0.000085%; no homozygotes.

Submission:

Women's Health and Genetics/Laboratory Corporation of America, LabCorp
Classification: Uncertain significance. Last evaluated: 2023-10-11. Review status: criteria provided, single submitter. Criteria: LabCorp Variant Classification Summary - May 2015. Collection method: clinical testing. Allele origin: germline.
Comment: Variant summary: SLC2A10 c.1181C>G (p.Ala394Gly) results in a non-conservative amino acid change located in the major facilitator superfamily domain (IPR020846) of the encoded protein sequence. Four of five in-silico tools predict a benign effect of the variant on protein function. The variant allele was found at a frequency of 4e-06 in 250830 control chromosomes (gnomAD). The available data on variant occurrences in the general population are insufficient to allow any conclusion about variant significance. To our knowledge, no occurrence of c.1181C>G in individuals affected with Aortopathy and no experimental evidence demonstrating its impact on protein function have been reported. No submitters have cited clinical-significance assessments for this variant to ClinVar after 2014. Based on the evidence outlined above, the variant was classified as uncertain significance.